The following is an entry in ClinVar:

ClinVar aggregate classification (germline): Uncertain significance (1 of 4 stars; one submission).

gnomAD v4.1: 1 of 1,614,172 alleles (0.000062%); highest among the groups gnomAD compares: Non-Finnish European, 0.000085%; no homozygotes.

Submission:

Labcorp Genetics (formerly Invitae), Labcorp
Classification: Uncertain significance. Last evaluated: 2022-10-25. Review status: criteria provided, single submitter. Criteria: Invitae Variant Classification Sherloc (09022015). Collection method: clinical testing. Allele origin: germline.
Comment: This sequence change replaces alanine, which is neutral and non-polar, with valine, which is neutral and non-polar, at codon 1452 of the MYO15A protein (p.Ala1452Val). This variant is not present in population databases (gnomAD no frequency). This variant has not been reported in the literature in individuals affected with MYO15A-related conditions. Advanced modeling of protein sequence and biophysical properties (such as structural, functional, and spatial information, amino acid conservation, physicochemical variation, residue mobility, and thermodynamic stability) performed at Invitae indicates that this missense variant is not expected to disrupt MYO15A protein function. In summary, the available evidence is currently insufficient to determine the role of this variant in disease. Therefore, it has been classified as a Variant of Uncertain Significance.

NM_016239.4(MYO15A):c.4355C>T (p.Ala1452Val)

Gene: MYO15A (myosin XVA; plus strand). Cytogenetic location: 17p11.2.
Variant type: single nucleotide variant.
Coding change: c.4355C>T on transcript NM_016239.4 (MANE Select); coding-DNA position 4355, C replaced by T.
Protein change: p.Ala1452Val; replaces alanine 1452 with valine.
Molecular consequence: missense variant.
Genome position (GRCh38, 1-based): chr17:18,133,259, C>T. VCF-style: chr17-18133259-C-T. GRCh37 (hg19) VCF-style: chr17-18036573-C-T.
Other names: short protein forms A1452V.
Identifiers: ClinVar variation 1722127 (VCV001722127.3), dbSNP rs2545226910, ClinGen allele CA398593754.